The following is an entry in ClinVar:

ClinVar aggregate classification (germline): Conflicting classifications of pathogenicity. Review status: criteria provided, conflicting classifications (1 of 4 stars). 2 submissions from 2 submitters: Uncertain significance (1); Benign (1). Last evaluated 2025-08-02.

Conditions:
SETX-related disorder. Also called: SETX-related condition; SETX-related disorders. Identifiers: MedGen CN239403.
Amyotrophic lateral sclerosis type 4 (ALS4). Also called: NEURONOPATHY, DISTAL HEREDITARY MOTOR, WITH PYRAMIDAL FEATURES; AMYOTROPHIC LATERAL SCLEROSIS 4, JUVENILE. Identifiers: Orphanet 357043, MedGen C1865409, MONDO:0011223, OMIM 602433.
Spinocerebellar ataxia, autosomal recessive, with axonal neuropathy 2 (SCAN2). Also called: Ataxia-ocular apraxia-2; Ataxia with Oculomotor Apraxia; Ataxia with Oculomotor Apraxia Type 2; ATAXIA-OCULOMOTOR APRAXIA 2. Identifiers: Orphanet 64753, MedGen C1853761, MONDO:0018996, OMIM 606002.

Allele frequency attached by ClinVar (database versions not stated): TOPMed 0.00005; ESP Exome Variant Server 0.00008; 1000 Genomes Project 0.00020; 1000 Genomes Project 30x 0.00031.
gnomAD v4.1: 17 of 1,613,812 alleles (0.0011%); highest among the groups gnomAD compares: African/African-American, 0.021%; no homozygotes.

Submissions (2):

Labcorp Genetics (formerly Invitae), Labcorp
Classification: Benign for Amyotrophic lateral sclerosis type 4; Spinocerebellar ataxia, autosomal recessive, with axonal neuropathy 2. Last evaluated: 2025-08-02. Review status: criteria provided, single submitter. Criteria: Invitae Variant Classification Sherloc (09022015). Collection method: clinical testing. Allele origin: germline.

PreventionGenetics, part of Exact Sciences
Classification: Uncertain significance for SETX-related condition. Last evaluated: 2025-06-24. Review status: criteria provided, single submitter. Criteria: ACMG Guidelines, 2015. Collection method: clinical testing. Allele origin: germline.
Comment: The SETX c.7786G>T variant is predicted to result in the amino acid substitution p.Ala2596Ser. To our knowledge, this variant has not been reported in the literature. This variant is reported in 0.029% of alleles in individuals of African descent in gnomAD. At this time, the clinical significance of this variant is uncertain due to the absence of conclusive functional and genetic evidence.

NM_015046.7(SETX):c.7786G>T (p.Ala2596Ser)

Gene: SETX (senataxin; minus strand). Cytogenetic location: 9q34.13.
Variant type: single nucleotide variant.
Coding change: c.7786G>T on transcript NM_015046.7 (MANE Select); coding-DNA position 7786, G replaced by T.
Protein change: p.Ala2596Ser; replaces alanine 2596 with serine.
Molecular consequence: missense variant.
Genome position (GRCh38, 1-based): chr9:132,264,487, C>A on the plus strand (G>T on the coding strand, the complement: SETX is on the minus strand). VCF-style: chr9-132264487-C-A. GRCh37 (hg19) VCF-style: chr9-135139874-C-A.
Other names: c.7786G>T, p.Ala2596Ser (NM_001351527.2); c.7873G>T, p.Ala2625Ser (NM_001351528.2); short protein forms A2625S, A2596S.
Identifiers: ClinVar variation 2927317 (VCV002927317.4), dbSNP rs200287592, ClinGen allele CA5296325.